The following is an entry in ClinVar:

NM_004434.3(EML1):c.2255A>C (p.Lys752Thr)

Genes: EML1 (EMAP like 1; plus strand), LOC126862047 (BRD4-independent group 4 enhancer GRCh37_chr14:100405395-100406594; plus strand). Cytogenetic location: 14q32.2.
Variant type: single nucleotide variant.
Coding change: c.2255A>C on transcript NM_004434.3 (MANE Select); coding-DNA position 2255, A replaced by C.
Protein change: p.Lys752Thr; replaces lysine 752 with threonine.
Molecular consequence: missense variant.
Genome position (GRCh38, 1-based): chr14:99,939,260, A>C. VCF-style: chr14-99939260-A-C. GRCh37 (hg19) VCF-style: chr14-100405597-A-C.
Other names: c.2312A>C, p.Lys771Thr (NM_001008707.2); c.2216A>C, p.Lys739Thr (NM_001375411.1); c.2123A>C, p.Lys708Thr (NM_001375412.1); short protein forms K708T, K739T, K752T, K771T.
Identifiers: ClinVar variation 1700359 (VCV001700359.2), dbSNP rs201021106, ClinGen allele CA7342907.

ClinVar aggregate classification (germline): Uncertain significance (1 of 4 stars; one submission).

Allele frequency attached by ClinVar (database versions not stated): TOPMed 0.00008; gnomAD 0.00009; ExAC 0.00021.
gnomAD v4.1: 181 of 1,614,018 alleles (0.011%); highest among the groups gnomAD compares: Non-Finnish European, 0.0054%; no homozygotes.

Submission:

GeneDx
Classification: Uncertain significance. Last evaluated: 2022-01-31. Review status: criteria provided, single submitter. Criteria: GeneDx Variant Classification Process June 2021. Collection method: clinical testing. Allele origin: germline. Affected: yes.
Comment: In silico analysis supports that this missense variant has a deleterious effect on protein structure/function; Has not been previously published as pathogenic or benign to our knowledge